The following is an entry in ClinVar:

NM_005124.4(NUP153):c.3371A>G (p.Asn1124Ser)

Gene: NUP153 (nucleoporin 153; minus strand). Cytogenetic location: 6p22.3.
Variant type: single nucleotide variant.
Coding change: c.3371A>G on transcript NM_005124.4 (MANE Select); coding-DNA position 3371, A replaced by G.
Protein change: p.Asn1124Ser; replaces asparagine 1124 with serine.
Molecular consequence: missense variant.
Genome position (GRCh38, 1-based): chr6:17,628,828, T>C on the plus strand (A>G on the coding strand, the complement: NUP153 is on the minus strand). VCF-style: chr6-17628828-T-C. GRCh37 (hg19) VCF-style: chr6-17629059-T-C.
Other names: c.3464A>G, p.Asn1155Ser (NM_001278209.2); c.3245A>G, p.Asn1082Ser (NM_001278210.2); short protein forms N1082S, N1124S, N1155S.
Identifiers: ClinVar variation 2656258 (VCV002656258.24), dbSNP rs144294630, ClinGen allele CA3647166.

ClinVar aggregate classification (germline): Likely benign (1 of 4 stars; one submission).

Allele frequency attached by ClinVar (database versions not stated): 1000 Genomes Project 0.00100; 1000 Genomes Project 30x 0.00141; gnomAD 0.00287; ESP Exome Variant Server 0.00308; TOPMed 0.00310; ExAC 0.00319.
gnomAD v4.1: 6,205 of 1,614,214 alleles (0.38%); highest among the groups gnomAD compares: Middle Eastern, 1%; 25 homozygotes.

Submission:

CeGaT Center for Human Genetics Tuebingen
Classification: Likely benign. Last evaluated: 2026-08-01. Review status: criteria provided, single submitter. Criteria: CeGaT Center For Human Genetics Tuebingen Variant Classification Criteria Version 2. Collection method: clinical testing. Allele origin: germline. Affected: yes. Observed: 2 variant alleles.
Comment: NUP153: BP4, BS2